The following is an entry in ClinVar:

ClinVar aggregate classification (germline): Uncertain significance (1 of 4 stars; one submission).

Submission:

Labcorp Genetics (formerly Invitae), Labcorp
Classification: Uncertain significance. Last evaluated: 2022-04-30. Review status: criteria provided, single submitter. Criteria: Invitae Variant Classification Sherloc (09022015). Collection method: clinical testing. Allele origin: germline.
Comment: A copy number gain of the genomic region encompassing the full coding sequence of the TYMP gene has been identified. The boundaries of this event are unknown as they extend beyond the assayed region for this gene and therefore may encompass additional genes. As the precise location of this event is unknown, it may be in tandem or it may be located elsewhere in the genome. This variant has not been reported in the literature in individuals affected with TYMP-related conditions. In summary, the available evidence is currently insufficient to determine the role of this variant in disease. Therefore, it has been classified as a Variant of Uncertain Significance.

NC_000022.10:g.(?_50904370)_(50968138_?)dup

Genes: ADM2 (adrenomedullin 2; plus strand), LMF2 (lipase maturation factor 2; minus strand), MIOX (myo-inositol oxygenase; plus strand), NCAPH2 (non-SMC condensin II complex subunit H2; plus strand), SBF1 (SET binding factor 1; minus strand) and 2 more. Cytogenetic location: 22q13.33.
Variant type: Duplication.
Identifiers: ClinVar variation 2424331 (VCV002424331.3).